The following is an entry in ClinVar:

ClinVar aggregate classification (germline): Likely pathogenic (0 of 4 stars; one submission).

Conditions:
Neuronal ceroid lipofuscinosis 5 (CLN5). Also called: CEROID LIPOFUSCINOSIS, NEURONAL, 5, VARIABLE AGE AT ONSET; Neuronal ceroid lipofuscinosis Finnish variant; NEURONAL CEROID LIPOFUSCINOSIS, LATE INFANTILE, FINNISH VARIANT; CLN5-Related Neuronal Ceroid-Lipofuscinosis. Identifiers: Orphanet 168491, Orphanet 228360, MedGen C1850442, MONDO:0009745, OMIM 256731.

Submission:

Juha Muilu Group; Institute for Molecular Medicine Finland (FIMM)
Classification: Likely pathogenic for Ceroid lipofuscinosis neuronal 5. Review status: no assertion criteria provided. Collection method: not provided. Allele origin: unknown.
Comment: FinDis database variant: This variant was not found or characterized by our laboratory, data were collected from public sources: see reference
ClinVar note: Converted during submission from probable-pathogenic to Likely pathogenic.

NM_006493.4(CLN5):c.418C>T (p.Gln140Ter)

Gene: CLN5 (CLN5 lysosomal BMP synthase; plus strand). Cytogenetic location: 13q22.3.
Variant type: single nucleotide variant.
Coding change: c.418C>T on transcript NM_006493.4 (MANE Select); coding-DNA position 418, C replaced by T.
Protein change: p.Gln140Ter; replaces glutamine 140 with a stop codon.
Molecular consequence: nonsense.
Genome position (GRCh38, 1-based): chr13:76,995,980, C>T. VCF-style: chr13-76995980-C-T. GRCh37 (hg19) VCF-style: chr13-77570115-C-T.
Other names: c.418C>T, p.Gln140Ter (NM_001366624.2); c.565C>T (LRG_692t1); short protein forms Q140*.
Identifiers: ClinVar variation 56538 (VCV000056538.2), dbSNP rs386833974, ClinGen allele CA263895.